The following is an entry in ClinVar:

ClinVar aggregate classification (germline): Likely benign. Review status: reviewed by expert panel (3 of 4 stars). 17 submissions from 17 submitters: Likely benign (1). 16 of the submissions do not count toward it. Last evaluated 2017-06-29.

Conditions:
BRCA1-related disorder. Also called: BRCA1-related condition.
Malignant tumor of breast. Also called: Cancer breast; Malignant breast neoplasm. Identifiers: MedGen C0006142, MONDO:0007254. Disease mechanism: loss of function.
Hereditary cancer-predisposing syndrome. Also called: Hereditary Cancer Syndrome; Hereditary neoplastic syndrome; Neoplastic Syndromes, Hereditary; Tumor predisposition. Identifiers: Orphanet 140162, MedGen C0027672, MeSH D009386, MONDO:0015356.
Hereditary breast ovarian cancer syndrome. Also called: BRCA1- and BRCA2-Associated Hereditary Breast and Ovarian Cancer; Hereditary breast and ovarian cancer syndrome; Hereditary breast and ovarian cancer syndrome (HBOC); Breast and ovarian cancer; Hereditary breast and/or ovarian cancer syndrome; Hereditary breast and ovarian cancer. Identifiers: Orphanet 145, MedGen C0677776, MeSH D061325, MONDO:0003582. Disease mechanism: loss of function.
Breast-ovarian cancer, familial, susceptibility to, 1 (BROVCA1). Also called: BRCA1 Hereditary Breast and Ovarian Cancer; OVARIAN CANCER, SUSCEPTIBILITY TO. Identifiers: Orphanet 145, MedGen C2676676, MONDO:0011450, OMIM 604370. Disease mechanism: loss of function.

Allele frequency attached by ClinVar (database versions not stated): gnomAD exomes 0.00007 and 0.00003; ExAC 0.00009; 1000 Genomes Project 0.00020; TOPMed 0.00026; gnomAD 0.00022; ESP Exome Variant Server 0.00023; 1000 Genomes Project 30x 0.00016.
gnomAD v4.1: 71 of 1,614,088 alleles (0.0044%); highest among the groups gnomAD compares: African/African-American, 0.064%; no homozygotes.

Submissions (17):

Evidence-based Network for the Interpretation of Germline Mutant Alleles (ENIGMA)
Classification: Likely benign for Breast-ovarian cancer, familial, susceptibility to, 1. Last evaluated: 2017-06-29. Review status: reviewed by expert panel. Criteria: ENIGMA BRCA1/2 Classification Criteria (2017-06-29). Collection method: curation. Allele origin: germline.
Comment: Synonymous substitution variant, with low bioinformatic likelihood to result in a splicing aberration (Splicing prior probability 0.02).

Labcorp Genetics (formerly Invitae), Labcorp
Classification: Benign for Hereditary breast ovarian cancer syndrome. Last evaluated: 2026-01-30. Review status: criteria provided, single submitter. Criteria: Invitae Variant Classification Sherloc (09022015). Collection method: clinical testing. Allele origin: germline. Not counted in ClinVar's aggregate classification.

Blueprint Genetics
Classification: Likely benign. Last evaluated: 2024-08-06. Review status: criteria provided, single submitter. Criteria: ACMG Guidelines, 2015. Collection method: clinical testing. Allele origin: germline. Not counted in ClinVar's aggregate classification.

ARUP Laboratories, Molecular Genetics and Genomics, ARUP Laboratories
Classification: Benign. Last evaluated: 2024-06-05. Review status: criteria provided, single submitter. Criteria: ARUP Molecular Germline Variant Investigation Process 2024. Collection method: clinical testing. Allele origin: germline. Not counted in ClinVar's aggregate classification.

Women's Health and Genetics/Laboratory Corporation of America, LabCorp
Classification: Likely benign. Last evaluated: 2024-03-09. Review status: criteria provided, single submitter. Criteria: LabCorp Variant Classification Summary - May 2015. Collection method: clinical testing. Allele origin: germline. Not counted in ClinVar's aggregate classification.

All of Us Research Program, National Institutes of Health
Classification: Likely benign for Breast-ovarian cancer, familial, susceptibility to, 1. Last evaluated: 2024-02-05. Review status: criteria provided, single submitter. Criteria: ACMG Guidelines, 2015. Collection method: clinical testing. Allele origin: germline. Inheritance: Autosomal dominant inheritance. Observed: 9 variant alleles, 9 heterozygotes. Not counted in ClinVar's aggregate classification.
Comment: This study involves interpretation of variants in research participants for the purpose of population health screening. Participant phenotype was not available at the time of variant classification. Additional details can be found in publication PMID: 35346344, PMCID: PMC8962531

Quest Diagnostics Nichols Institute San Juan Capistrano
Classification: Benign. Last evaluated: 2022-09-06. Review status: criteria provided, single submitter. Criteria: Quest Diagnostics criteria. Collection method: clinical testing. Allele origin: unknown. Not counted in ClinVar's aggregate classification.

Sema4
Classification: Likely benign for Hereditary cancer-predisposing syndrome. Last evaluated: 2021-07-02. Review status: criteria provided, single submitter. Criteria: Sema4 Curation Guidelines. Collection method: curation. Allele origin: germline. Not counted in ClinVar's aggregate classification.

Color Diagnostics, LLC DBA Color Health
Classification: Likely benign for Hereditary cancer-predisposing syndrome. Last evaluated: 2016-10-05. Review status: criteria provided, single submitter. Criteria: ACMG Guidelines, 2015. Collection method: clinical testing. Allele origin: germline. Not counted in ClinVar's aggregate classification.

Ambry Genetics
Classification: Benign for Hereditary cancer-predisposing syndrome. Last evaluated: 2014-07-08. Review status: criteria provided, single submitter. Criteria: Ambry Variant Classification Scheme 2023. Collection method: clinical testing. Allele origin: germline. Not counted in ClinVar's aggregate classification.

GeneDx
Classification: Benign. Last evaluated: 2014-04-04. Review status: criteria provided, single submitter. Criteria: GeneDx Variant Classification (06012015). Collection method: clinical testing. Allele origin: germline. Affected: yes. Not counted in ClinVar's aggregate classification.
Comment: This variant is considered likely benign or benign based on one or more of the following criteria: it is a conservative change, it occurs at a poorly conserved position in the protein, it is predicted to be benign by multiple in silico algorithms, and/or has population frequency not consistent with disease.

PreventionGenetics, part of Exact Sciences
Classification: Likely benign for BRCA1-related condition. Last evaluated: 2021-10-01. Review status: no assertion criteria provided. Collection method: clinical testing. Allele origin: germline. Not counted in ClinVar's aggregate classification.
Comment: This variant is classified as likely benign based on ACMG/AMP sequence variant interpretation guidelines (Richards et al. 2015 PMID: 25741868, with internal and published modifications).

Counsyl
Classification: Likely benign for Breast-ovarian cancer, familial, susceptibility to, 1. Last evaluated: 2017-07-24. Review status: no assertion criteria provided. Collection method: clinical testing. Allele origin: unknown. Not counted in ClinVar's aggregate classification.

Breast Cancer Information Core (BIC) (BRCA1)
Classification: Uncertain significance for Breast-ovarian cancer, familial 1. Last evaluated: 2000-01-01. Review status: no assertion criteria provided. Collection method: clinical testing. Allele origin: germline. Affected: yes. Observed: 2 variant alleles. Not counted in ClinVar's aggregate classification.

Clinical Genetics DNA and cytogenetics Diagnostics Lab, Erasmus MC, Erasmus Medical Center
Classification: Likely benign. Review status: no assertion criteria provided. Collection method: clinical testing. Allele origin: germline. Affected: yes. Study: VKGL Data-share Consensus. Not counted in ClinVar's aggregate classification.

Department of Pathology and Laboratory Medicine, Sinai Health System
Classification: Likely benign for Malignant tumor of breast. Review status: no assertion criteria provided. Collection method: clinical testing. Allele origin: unknown. Affected: yes. Study: The Canadian Open Genetics Repository (COGR). Not counted in ClinVar's aggregate classification.
Comment: The BRCA1 p.Leu1605= variant was identified in dbSNP (rs80356833) as â€šÃ„ÃºWith Uncertain Significance alleleâ€šÃ„Ã¹, ClinVar (3x as Benign by Invitae, GeneDx and Ambry and 1x as uncertain significance by BIC), in Clinvitae (4x as reported by ClinVar) and in the BRCA Share database UMD (6x as an unknown variant including 1x identified as co-occurring with the pathogenic BRCA1 c.5266dup, p.Gln1756ProfsX74 variant). The variant was identified in various control databases including the 1000 Genomes Project in 1 of 5000 (freq. 0.0002), the NHLBI Exome Sequencing Project in 3 of 4406 African American chromosomes (freq. 0.0007) and in Exome Aggregation Consortium (August 8th 2016) in 11 of 121406 chromosomes (freq. 0.00009) in the following populations: African in 8 of 10406 chromosomes (freq. 0.0007), South Asian in 1 of 16512 chromosomes (freq. 0.00006), and European (Non-Finnish) in 2 of 66738 chromosomes (freq. 0.00003), but was not seen in East Asian, Finnish, Latino and Other populations. The variant was not identified in GeneInsight COGR, COSMIC, MutDB, ARUP Laboratories BRCA Mutations Database, and the Fanconi Anemia Mutation Database. The p.Leu1605= variant is not expected to have clinical significance because it does not result in a change of amino acid and is not located in a known consensus splice site. In addition, in silico or computational prediction software programs (SpliceSiteFinder, MaxEntScan, NNSPLICE, GeneSplicer, HumanSpliceFinder) do not predict a difference in splicing. In summary, based on the above information, the clinical significance of this variant cannot be determined with certainty at this time although we would lean towards a more benign role for this variant. This variant is classified as likely benign.

Joint Genome Diagnostic Labs from Nijmegen and Maastricht, Radboudumc and MUMC+
Classification: Likely benign. Review status: no assertion criteria provided. Collection method: clinical testing. Allele origin: germline. Affected: yes. Study: VKGL Data-share Consensus. Not counted in ClinVar's aggregate classification.

Literature cited by the submitters: PubMed 12491487 (cited by Women's Health and Genetics/Laboratory Corporation of America, LabCorp and Quest Diagnostics Nichols Institute San Juan Capistrano); PubMed 16949048 (cited by 3 submitters); PubMed 17100994 (cited by 3 submitters); PubMed 12496477 (cited by 3 submitters); PubMed 8807330 (cited by Women's Health and Genetics/Laboratory Corporation of America, LabCorp); PubMed 9544765 (cited by 3 submitters); PubMed 16161633 (cited by Women's Health and Genetics/Laboratory Corporation of America, LabCorp and Counsyl); PubMed 30287823 (cited by Quest Diagnostics Nichols Institute San Juan Capistrano).

NM_007294.4(BRCA1):c.4813T>C (p.Leu1605=)

Gene: BRCA1 (BRCA1 DNA repair associated; minus strand). Cytogenetic location: 17q21.31.
Variant type: single nucleotide variant.
Coding change: c.4813T>C on transcript NM_007294.4 (MANE Select); coding-DNA position 4813, T replaced by C.
Protein change: p.Leu1605=; no amino-acid change (leucine 1605 retained).
Molecular consequence: synonymous variant. On other transcripts: intron variant (1).
Genome position (GRCh38, 1-based): chr17:43,071,101, A>G on the plus strand (T>C on the coding strand, the complement: BRCA1 is on the minus strand). VCF-style: chr17-43071101-A-G. GRCh37 (hg19) VCF-style: chr17-41223118-A-G.
Other names: 4932T/C; p.L1605L:TTG>CTG; c.4600T>C, p.Leu1534= (NM_001407571.1, NM_001407894.1, NM_001407895.1 and 12 more transcripts); c.4879T>C, p.Leu1627= (NM_001407581.1, NM_001407582.1); c.4876T>C, p.Leu1626= (NM_001407583.1, NM_001407585.1, NM_001407587.1 and 1 more transcripts); c.4873T>C, p.Leu1625= (NM_001407590.1, NM_001407591.1); c.4813T>C, p.Leu1605= (NM_001407593.1, NM_001407594.1, NM_001407596.1 and 8 more transcripts); c.4810T>C, p.Leu1604= (NM_001407610.1, NM_001407611.1, NM_001407612.1 and 17 more transcripts); and 73 more.
Identifiers: ClinVar variation 55294 (VCV000055294.36), dbSNP rs80356833, ClinGen allele CA003035.